The following is an entry in ClinVar:

NM_001164665.2(KIAA1549):c.2912T>C (p.Ile971Thr)

Gene: KIAA1549 (KIAA1549; minus strand). Cytogenetic location: 7q34.
Variant type: single nucleotide variant.
Coding change: c.2912T>C on transcript NM_001164665.2 (MANE Select); coding-DNA position 2912, T replaced by C.
Protein change: p.Ile971Thr; replaces isoleucine 971 with threonine.
Molecular consequence: missense variant.
Genome position (GRCh38, 1-based): chr7:138,912,427, A>G on the plus strand (T>C on the coding strand, the complement: KIAA1549 is on the minus strand). VCF-style: chr7-138912427-A-G. GRCh37 (hg19) VCF-style: chr7-138597173-A-G.
Other names: c.2912T>C, p.Ile971Thr (NM_020910.3); short protein forms I971T.
Identifiers: ClinVar variation 2146595 (VCV002146595.4), dbSNP rs2485547742, ClinGen allele CA369389901.
Genomic context (GRCh38, chr7:138,912,427, plus strand): 5'-CTCACCTTCAGTTCCACTGCACGGTTGAAGTGAATCCTCAGTACTTCTTTGATTGCTGTA[A>G]TGATGTACTCCTGCACAGCTCTTCTGGCCAGCACTGCAAATGAAAGCAAACCACCAAATG-3'
Protein context (NP_001158137.1, residues 961-981): LARRAVQEYI[Ile971Thr]TAIKEVLRIH

ClinVar aggregate classification (germline): Uncertain significance (1 of 4 stars; one submission).

Submission:

Labcorp Genetics (formerly Invitae), Labcorp
Classification: Uncertain significance. Last evaluated: 2022-10-05. Review status: criteria provided, single submitter. Criteria: Invitae Variant Classification Sherloc (09022015). Collection method: clinical testing. Allele origin: germline.
Comment: In summary, the available evidence is currently insufficient to determine the role of this variant in disease. Therefore, it has been classified as a Variant of Uncertain Significance. Algorithms developed to predict the effect of missense changes on protein structure and function are either unavailable or do not agree on the potential impact of this missense change (SIFT: "Tolerated"; PolyPhen-2: "Possibly Damaging"; Align-GVGD: "Class C0"). This variant has not been reported in the literature in individuals affected with KIAA1549-related conditions. This variant is not present in population databases (gnomAD no frequency). This sequence change replaces isoleucine, which is neutral and non-polar, with threonine, which is neutral and polar, at codon 971 of the KIAA1549 protein (p.Ile971Thr).